The following is an entry in ClinVar:

NM_206933.4(USH2A):c.10569dup (p.Pro3524fs)

Gene: USH2A (usherin; minus strand). Cytogenetic location: 1q41.
Variant type: Duplication.
Coding change: c.10569dup on transcript NM_206933.4 (MANE Select); coding-DNA position 10569, one base duplicated (A; older notation c.10569dupA).
Protein change: p.Pro3524fs; shifts the reading frame from proline 3524.
Molecular consequence: frameshift variant.
Genome position (GRCh38, 1-based): chr1:215,782,754, T duplicated on the plus strand (A on the coding strand, the reverse complement: USH2A is on the minus strand); the first of 4 consecutive T bases (chr1:215,782,754-215,782,757); duplicating any one gives the same sequence. VCF-style (leftmost placement, unchanged base first): chr1-215782753-G-GT. GRCh37 (hg19) VCF-style: chr1-215956095-G-GT.
Other names: short protein forms P3524fs.
Identifiers: ClinVar variation 2853631 (VCV002853631.3), dbSNP rs2464394129, ClinGen allele CA2739275687.

ClinVar aggregate classification (germline): Pathogenic (1 of 4 stars; one submission).

Submission:

Labcorp Genetics (formerly Invitae), Labcorp
Classification: Pathogenic. Last evaluated: 2023-05-09. Review status: criteria provided, single submitter. Criteria: Invitae Variant Classification Sherloc (09022015). Collection method: clinical testing. Allele origin: germline.
Comment: This sequence change creates a premature translational stop signal (p.Pro3524Thrfs*19) in the USH2A gene. It is expected to result in an absent or disrupted protein product. Loss-of-function variants in USH2A are known to be pathogenic (PMID: 10729113, 10909849, 20507924, 25649381). This variant is not present in population databases (gnomAD no frequency). This variant has not been reported in the literature in individuals affected with USH2A-related conditions. For these reasons, this variant has been classified as Pathogenic.

Literature cited by the submitters: PubMed 10729113; PubMed 10909849; PubMed 20507924; PubMed 25649381.